The following is an entry in ClinVar:

ClinVar aggregate classification (germline): Likely benign. Review status: criteria provided, single submitter (1 of 4 stars). 2 submissions from 2 submitters: Likely benign (1). 1 of the submissions does not count toward it. Last evaluated 2019-02-14.

Conditions:
Emery-Dreifuss muscular dystrophy 5, autosomal dominant (EDMD5). Also called: EMERY-DREIFUSS MUSCULAR DYSTROPHY 5. Identifiers: Orphanet 261, MedGen C2751805, MONDO:0013072, OMIM 612999.
SYNE2-related disorder. Also called: SYNE2-related condition.

Allele frequency attached by ClinVar (database versions not stated): gnomAD exomes below 0.00001; gnomAD 0.00001; TOPMed 0.00002.
gnomAD v4.1: 2 of 1,551,420 alleles (0.00013%); highest among the groups gnomAD compares: Admixed American, 0.0018%; no homozygotes.

Submissions (2):

Labcorp Genetics (formerly Invitae), Labcorp
Classification: Likely benign for Emery-Dreifuss muscular dystrophy 5, autosomal dominant. Last evaluated: 2019-02-14. Review status: criteria provided, single submitter. Criteria: Invitae Variant Classification Sherloc (09022015). Collection method: clinical testing. Allele origin: germline.

PreventionGenetics, part of Exact Sciences
Classification: Likely benign for SYNE2-related condition. Last evaluated: 2019-03-14. Review status: no assertion criteria provided. Collection method: clinical testing. Allele origin: germline. Not counted in ClinVar's aggregate classification.
Comment: This variant is classified as likely benign based on ACMG/AMP sequence variant interpretation guidelines (Richards et al. 2015 PMID: 25741868, with internal and published modifications).

NM_182914.3(SYNE2):c.15484-6A>T

Gene: SYNE2 (spectrin repeat containing nuclear envelope protein 2; plus strand). Cytogenetic location: 14q23.2.
Variant type: single nucleotide variant.
Coding change: c.15484-6A>T on transcript NM_182914.3 (MANE Select); 6 bases into the intron before coding-DNA position 15484, A replaced by T.
Molecular consequence: intron variant.
Genome position (GRCh38, 1-based): chr14:64,146,062, A>T. VCF-style: chr14-64146062-A-T. GRCh37 (hg19) VCF-style: chr14-64612780-A-T.
Other names: c.15484-6A>T (NM_015180.6, NM_182914.2).
Identifiers: ClinVar variation 1140978 (VCV001140978.11), dbSNP rs1009151850, ClinGen allele CA261815684.
Genomic context (GRCh38, chr14:64,146,062, plus strand): 5'-ACGTCATGGCATTTACCTTTTAAAACATACATTTTAACATTTTTTGTAATCTTTACATTC[A>T]CTTAGATACAACATTTAGAACAACTTCTAGAAAGTATCACTGAGAGTGAAAATAAAATAC-3'